The following is an entry in ClinVar:

ClinVar aggregate classification (germline): Benign (1 of 4 stars; one submission).

Allele frequency attached by ClinVar (database versions not stated): 1000 Genomes Project 0.59365; 1000 Genomes Project 30x 0.59369; TOPMed 0.63789; gnomAD 0.64590 and 0.64870; gnomAD exomes 0.72308.
gnomAD v4.1: 499,704 of 707,016 alleles (71%); highest among the groups gnomAD compares: Non-Finnish European, 77%; 181,403 homozygotes.

Submission:

GeneDx
Classification: Benign. Last evaluated: 2018-06-14. Review status: criteria provided, single submitter. Criteria: GeneDx Variant Classification (06012015). Collection method: clinical testing. Allele origin: germline. Affected: yes.
Comment: This variant is considered likely benign or benign based on one or more of the following criteria: it is a conservative change, it occurs at a poorly conserved position in the protein, it is predicted to be benign by multiple in silico algorithms, and/or has population frequency not consistent with disease.

NM_000426.4(LAMA2):c.2750-135C>T

Gene: LAMA2 (laminin subunit alpha 2; plus strand). Cytogenetic location: 6q22.33.
Variant type: single nucleotide variant.
Coding change: c.2750-135C>T on transcript NM_000426.4 (MANE Select); 135 bases into the intron before coding-DNA position 2750, C replaced by T.
Molecular consequence: intron variant.
Genome position (GRCh38, 1-based): chr6:129,291,479, C>T. VCF-style: chr6-129291479-C-T. GRCh37 (hg19) VCF-style: chr6-129612624-C-T.
Other names: c.2750-135C>T (NM_001079823.2).
Identifiers: ClinVar variation 682911 (VCV000682911.1), dbSNP rs1015846, ClinGen allele CA12416638.